The following is an entry in ClinVar:

NM_016169.4(SUFU):c.826_827delinsTT (p.Asp276Phe)

Gene: SUFU (SUFU negative regulator of hedgehog signaling; plus strand). Cytogenetic location: 10q24.32.
Variant type: Indel.
Coding change: c.826_827delinsTT on transcript NM_016169.4 (MANE Select); coding-DNA positions 826 to 827, GA replaced by TT.
Protein change: p.Asp276Phe; replaces aspartic acid 276 with phenylalanine.
Molecular consequence: missense variant.
Genome position (GRCh38, 1-based): chr10:102,597,209-102,597,210, GA replaced by TT. VCF-style: chr10-102597209-GA-TT. GRCh37 (hg19) VCF-style: chr10-104356966-GA-TT.
Other names: c.826_827delinsTT, p.Asp276Phe (NM_001178133.2); short protein forms D276F.
Identifiers: ClinVar variation 4865248 (VCV004865248.1).
Genomic context (GRCh38, chr10:102,597,209, plus strand): 5'-GACAAAGGCATCGAGACAGATGGCTCCAACCTGAGTGGTGTCAGTGCCAAGTGTGCCTGG[GA>TT]TGACCTGAGCCGGCCCCCCGAGGATGACGAGGACAGCCGGAGCATCTGCATCGGCACACA-3'
Protein context (NP_057253.2, residues 266-286): LSGVSAKCAW[Asp276Phe]DLSRPPEDDE

ClinVar aggregate classification (germline): Uncertain significance (1 of 4 stars; one submission).

Conditions:
Hereditary cancer-predisposing syndrome. Also called: Neoplastic Syndromes, Hereditary; Tumor predisposition; Hereditary Cancer Syndrome; Hereditary neoplastic syndrome. Identifiers: Orphanet 140162, MedGen C0027672, MeSH D009386, MONDO:0015356.

Submission:

Ambry Genetics
Classification: Uncertain significance for Hereditary cancer-predisposing syndrome. Last evaluated: 2026-05-15. Review status: criteria provided, single submitter. Criteria: Ambry Variant Classification Scheme 2023. Collection method: clinical testing. Allele origin: germline.
Comment: The c.826_827delGAinsTT variant, located in coding exon 7 of the SUFU gene, results from an in-frame deletion of GA and insertion of TT at nucleotide positions 826 to 827. This results in the substitution of the aspartic acid residue for a phenylalanine residue at codon 276, an amino acid with highly dissimilar properties. This amino acid position is highly conserved in available vertebrate species. In addition, this variant is predicted to be neutral by in silico analysis (Choi Y et al. PLoS ONE. 2012; 7(10):e46688). Based on the available evidence, the clinical significance of this variant remains unclear.